The following is an entry in ClinVar:

ClinVar aggregate classification (germline): Uncertain significance (1 of 4 stars; one submission).

Allele frequency attached by ClinVar (database versions not stated): TOPMed 0.00002.

Submission:

Labcorp Genetics (formerly Invitae), Labcorp
Classification: Uncertain significance. Last evaluated: 2025-10-01. Review status: criteria provided, single submitter. Criteria: Invitae Variant Classification Sherloc (09022015). Collection method: clinical testing. Allele origin: germline.
Comment: This sequence change replaces isoleucine, which is neutral and non-polar, with valine, which is neutral and non-polar, at codon 389 of the CDH3 protein (p.Ile389Val). This variant is not present in population databases (gnomAD no frequency). This variant has not been reported in the literature in individuals affected with CDH3-related conditions. ClinVar contains an entry for this variant (Variation ID: 1946295). Invitae Evidence Modeling of protein sequence and biophysical properties (such as structural, functional, and spatial information, amino acid conservation, physicochemical variation, residue mobility, and thermodynamic stability) indicates that this missense variant is not expected to disrupt CDH3 protein function with a negative predictive value of 80%. In summary, the available evidence is currently insufficient to determine the role of this variant in disease. Therefore, it has been classified as a Variant of Uncertain Significance.

NM_001793.6(CDH3):c.1165A>G (p.Ile389Val)

Gene: CDH3 (cadherin 3; plus strand). Cytogenetic location: 16q22.1.
Variant type: single nucleotide variant.
Coding change: c.1165A>G on transcript NM_001793.6 (MANE Select); coding-DNA position 1165, A replaced by G.
Protein change: p.Ile389Val; replaces isoleucine 389 with valine.
Molecular consequence: missense variant.
Genome position (GRCh38, 1-based): chr16:68,682,470, A>G. VCF-style: chr16-68682470-A-G. GRCh37 (hg19) VCF-style: chr16-68716373-A-G.
Other names: c.1165A>G, p.Ile389Val (NM_001317195.3); c.1000A>G, p.Ile334Val (NM_001317196.2); short protein forms I334V, I389V.
Identifiers: ClinVar variation 1946295 (VCV001946295.5), dbSNP rs1003435851, ClinGen allele CA283278439.
Genomic context (GRCh38, chr16:68,682,470, plus strand): 5'-ATGGGCGGTGACGACGGGGACCATTTTACCATCACCACCCACCCTGAGAGCAACCAGGGC[A>G]TCCTGACAACCAGGAAGGTGAGTCAGTTCGGGCCTCAGACAATGGCTATACCTGGGGCAG-3'
Protein context (NP_001784.2, residues 379-399): ITTHPESNQG[Ile389Val]LTTRKGLDFE